The following is an entry in ClinVar:

NM_001267550.2(TTN):c.27329-1G>T

Gene: TTN (titin; minus strand). Cytogenetic location: 2q31.2.
Variant type: single nucleotide variant.
Coding change: c.27329-1G>T on transcript NM_001267550.2 (MANE Select); the canonical splice acceptor site of the intron before coding-DNA position 27329, G replaced by T.
Molecular consequence: splice acceptor variant. On other transcripts: intron variant (3).
Genome position (GRCh38, 1-based): chr2:178,712,594, C>A on the plus strand (G>T on the coding strand, the complement: TTN is on the minus strand). VCF-style: chr2-178712594-C-A. GRCh37 (hg19) VCF-style: chr2-179577321-C-A.
Other names: c.13282+25488G>T (NM_003319.4); c.13858+25488G>T (NM_133437.4); c.13657+25488G>T (NM_133432.3); c.23597-1G>T (NM_133378.4); c.26378-1G>T (NM_001256850.1).
Identifiers: ClinVar variation 576628 (VCV000576628.10), dbSNP rs1378646156, ClinGen allele CA349454177.
Genomic context (GRCh38, chr2:178,712,594, plus strand): 5'-TCAGGGGTTTTCCTTTCTCTATGCTGTAATCATTCAGCCTCTTCACAAATTTGGCTGGGG[C>A]TAAAGTGACCAAATTGAAAATATAAAATCAAACACATATACATACAGACAAAGACACATC-3'

ClinVar aggregate classification (germline): Conflicting classifications of pathogenicity. Review status: criteria provided, conflicting classifications (1 of 4 stars). 2 submissions from 2 submitters: Likely pathogenic (1); Uncertain significance (1). Last evaluated 2025-09-28.

Conditions:
Autosomal recessive limb-girdle muscular dystrophy type 2J (LGMDR10). Also called: Limb-girdle muscular dystrophy, type 2J; MUSCULAR DYSTROPHY, LIMB-GIRDLE, AUTOSOMAL RECESSIVE 10. Identifiers: Orphanet 140922, MedGen C1837342, MONDO:0012127, OMIM 608807.
Dilated cardiomyopathy 1G (CMD1G). Identifiers: Orphanet 154, MedGen C1858763, MONDO:0011400, OMIM 604145.

Allele frequency attached by ClinVar (database versions not stated): gnomAD exomes below 0.00001 and 0.00001.
gnomAD v4.1: 2 of 1,608,604 alleles (0.00012%); highest among the groups gnomAD compares: South Asian, 0.0011%; no homozygotes.

Submissions (2):

Labcorp Genetics (formerly Invitae), Labcorp
Classification: Likely pathogenic for Dilated cardiomyopathy 1G; Autosomal recessive limb-girdle muscular dystrophy type 2J. Last evaluated: 2025-09-28. Review status: criteria provided, single submitter. Criteria: Invitae Variant Classification Sherloc (09022015). Collection method: clinical testing. Allele origin: germline.
Comment: This sequence change affects an acceptor splice site in intron 94 of the TTN gene. It is expected to disrupt RNA splicing and likely results in a truncated or disrupted TTN protein. This variant is present in population databases (no rsID available, gnomAD 0.003%). This variant has not been reported in the literature in individuals affected with TTN-related conditions. ClinVar contains an entry for this variant (Variation ID: 576628). Algorithms developed to predict the effect of sequence changes on RNA splicing suggest that this variant may disrupt the consensus splice site. This variant is located in the I band of TTN (PMID: 25589632). Truncating variants in this region have been reported in individuals affected with autosomal recessive centronuclear myopathy (PMID: 23975875, internal data). Truncating variants in this region have also been identified in individuals affected with autosomal dominant dilated cardiomyopathy and/or cardio-related conditions (PMID: 27869827, 32964742, internal data). In summary, the currently available evidence indicates that the variant is pathogenic, but additional data are needed to prove that conclusively. Therefore, this variant has been classified as Likely Pathogenic.

Clinical Genetics Laboratory, Skane University Hospital Lund
Classification: Uncertain significance. Last evaluated: 2022-05-27. Review status: criteria provided, single submitter. Criteria: ACMG Guidelines, 2015. Collection method: clinical testing. Allele origin: germline. Affected: yes.

Literature cited by the submitters: PubMed 25589632 (cited by Labcorp Genetics (formerly Invitae), Labcorp); PubMed 23975875 (cited by Labcorp Genetics (formerly Invitae), Labcorp); PubMed 27869827 (cited by Labcorp Genetics (formerly Invitae), Labcorp); PubMed 32964742 (cited by Labcorp Genetics (formerly Invitae), Labcorp).